The following is an entry in ClinVar:

NM_001164665.2(KIAA1549):c.3188A>G (p.Asn1063Ser)

Gene: KIAA1549 (KIAA1549; minus strand). Cytogenetic location: 7q34.
Variant type: single nucleotide variant.
Coding change: c.3188A>G on transcript NM_001164665.2 (MANE Select); coding-DNA position 3188, A replaced by G.
Protein change: p.Asn1063Ser; replaces asparagine 1063 with serine.
Molecular consequence: missense variant.
Genome position (GRCh38, 1-based): chr7:138,909,079, T>C on the plus strand (A>G on the coding strand, the complement: KIAA1549 is on the minus strand). VCF-style: chr7-138909079-T-C. GRCh37 (hg19) VCF-style: chr7-138593825-T-C.
Other names: c.3188A>G, p.Asn1063Ser (NM_020910.3); c.3188A>G (NM_001164665.1); short protein forms N1063S.
Identifiers: ClinVar variation 1047686 (VCV001047686.8), dbSNP rs199814331, ClinGen allele CA4506294.

ClinVar aggregate classification (germline): Uncertain significance. Review status: criteria provided, multiple submitters, no conflicts (2 of 4 stars). 4 submissions from 4 submitters: Uncertain significance (4). Last evaluated 2024-11-06.

Conditions:
Inborn genetic diseases. Identifiers: MedGen C0950123, MeSH D030342.

Allele frequency attached by ClinVar (database versions not stated): gnomAD 0.00002; TOPMed 0.00005; gnomAD exomes 0.00007; ExAC 0.00008.
gnomAD v4.1: 185 of 1,613,586 alleles (0.011%); highest among the groups gnomAD compares: Non-Finnish European, 0.014%; no homozygotes.

Submissions (4):

Blueprint Genetics
Classification: Uncertain significance. Last evaluated: 2024-11-06. Review status: criteria provided, single submitter. Criteria: ACMG Guidelines, 2015. Collection method: clinical testing. Allele origin: germline.

Labcorp Genetics (formerly Invitae), Labcorp
Classification: Uncertain significance. Last evaluated: 2024-10-22. Review status: criteria provided, single submitter. Criteria: Invitae Variant Classification Sherloc (09022015). Collection method: clinical testing. Allele origin: germline.
Comment: This sequence change replaces asparagine, which is neutral and polar, with serine, which is neutral and polar, at codon 1063 of the KIAA1549 protein (p.Asn1063Ser). This variant is present in population databases (rs199814331, gnomAD 0.01%). This variant has not been reported in the literature in individuals affected with KIAA1549-related conditions. ClinVar contains an entry for this variant (Variation ID: 1047686). An algorithm developed to predict the effect of missense changes on protein structure and function (PolyPhen-2) suggests that this variant is likely to be tolerated. In summary, the available evidence is currently insufficient to determine the role of this variant in disease. Therefore, it has been classified as a Variant of Uncertain Significance.

Ambry Genetics
Classification: Uncertain significance for Inborn genetic diseases. Last evaluated: 2021-07-26. Review status: criteria provided, single submitter. Criteria: Ambry Variant Classification Scheme 2023. Collection method: clinical testing. Allele origin: germline.

Breakthrough Genomics
Classification: Uncertain significance. Review status: criteria provided, single submitter. Criteria: ACMG Guidelines, 2015. Collection method: not provided. Allele origin: germline. Inheritance: Autosomal recessive inheritance. Affected: yes.